The following is an entry in ClinVar:

NM_001079855.2(GYG2):c.1273T>C (p.Ser425Pro)

Gene: GYG2 (glycogenin 2; plus strand). Cytogenetic location: Xp22.33.
Variant type: single nucleotide variant.
Coding change: c.1273T>C on transcript NM_001079855.2 (MANE Select); coding-DNA position 1273, T replaced by C.
Protein change: p.Ser425Pro; replaces serine 425 with proline.
Molecular consequence: missense variant.
Genome position (GRCh38, 1-based): chrX:2,881,073, T>C. VCF-style: chrX-2881073-T-C. GRCh37 (hg19) VCF-style: chrX-2799114-T-C.
Other names: c.1270T>C, p.Ser424Pro (NM_001184702.2); c.1153T>C, p.Ser385Pro (NM_001184703.2); c.595T>C, p.Ser199Pro (NM_001184704.2); c.1366T>C, p.Ser456Pro (NM_003918.3); c.1366T>C (NM_003918.2); short protein forms S425P, S456P, S199P, S385P, S424P.
Identifiers: ClinVar variation 2172716 (VCV002172716.6), dbSNP rs141116662, ClinGen allele CA10337327.

ClinVar aggregate classification (germline): Uncertain significance. Review status: criteria provided, multiple submitters, no conflicts (2 of 4 stars). 3 submissions from 3 submitters: Uncertain significance (2). 1 of the submissions does not count toward it. Last evaluated 2024-12-03.

Conditions:
GYG2-related disorder. Also called: GYG2-related condition.

Allele frequency attached by ClinVar (database versions not stated): ESP Exome Variant Server 0.00028; TOPMed 0.00035; gnomAD 0.00040; ExAC 0.00049; 1000 Genomes Project 0.00053; 1000 Genomes Project 30x 0.00062; gnomAD exomes 0.00063.

Submissions (3):

Ambry Genetics
Classification: Uncertain significance. Last evaluated: 2024-12-03. Review status: criteria provided, single submitter. Criteria: Ambry Variant Classification Scheme 2023. Collection method: clinical testing. Allele origin: germline.

Labcorp Genetics (formerly Invitae), Labcorp
Classification: Uncertain significance. Last evaluated: 2024-01-10. Review status: criteria provided, single submitter. Criteria: Invitae Variant Classification Sherloc (09022015). Collection method: clinical testing. Allele origin: germline.
Comment: This sequence change replaces serine, which is neutral and polar, with proline, which is neutral and non-polar, at codon 456 of the GYG2 protein (p.Ser456Pro). This variant is present in population databases (rs141116662, gnomAD 0.2%), and has an allele count higher than expected for a pathogenic variant. This variant has not been reported in the literature in individuals affected with GYG2-related conditions. ClinVar contains an entry for this variant (Variation ID: 2172716). An algorithm developed to predict the effect of missense changes on protein structure and function (PolyPhen-2) suggests that this variant is likely to be disruptive. In summary, the available evidence is currently insufficient to determine the role of this variant in disease. Therefore, it has been classified as a Variant of Uncertain Significance.

PreventionGenetics, part of Exact Sciences
Classification: Likely benign for GYG2-related condition. Last evaluated: 2022-08-20. Review status: no assertion criteria provided. Collection method: clinical testing. Allele origin: germline. Not counted in ClinVar's aggregate classification.
Comment: This variant is classified as likely benign based on ACMG/AMP sequence variant interpretation guidelines (Richards et al. 2015 PMID: 25741868, with internal and published modifications).